The following is an entry in ClinVar:

NM_016222.4(DDX41):c.505A>G (p.Ile169Val)

Gene: DDX41 (DEAD-box helicase 41; minus strand). Cytogenetic location: 5q35.3.
Variant type: single nucleotide variant.
Coding change: c.505A>G on transcript NM_016222.4 (MANE Select); coding-DNA position 505, A replaced by G.
Protein change: p.Ile169Val; replaces isoleucine 169 with valine.
Molecular consequence: missense variant.
Genome position (GRCh38, 1-based): chr5:177,515,751, T>C on the plus strand (A>G on the coding strand, the complement: DDX41 is on the minus strand). VCF-style: chr5-177515751-T-C. GRCh37 (hg19) VCF-style: chr5-176942752-T-C.
Other names: c.127A>G, p.Ile43Val (NM_001321732.2, NM_001321830.2); short protein forms I169V, I43V.
Identifiers: ClinVar variation 3838914 (VCV003838914.1).

ClinVar aggregate classification (germline): Uncertain significance (1 of 4 stars; one submission).

Conditions:
Inborn genetic diseases. Identifiers: MedGen C0950123, MeSH D030342.

Submission:

Ambry Genetics
Classification: Uncertain significance for Inborn genetic diseases. Last evaluated: 2025-01-08. Review status: criteria provided, single submitter. Criteria: Ambry Variant Classification Scheme 2023. Collection method: clinical testing. Allele origin: germline.
Comment: The p.I169V variant (also known as c.505A>G), located in coding exon 6 of the DDX41 gene, results from an A to G substitution at nucleotide position 505. The isoleucine at codon 169 is replaced by valine, an amino acid with highly similar properties. This variant was reported in individual(s) with features consistent with DDX41-related hematologic malignancy predisposition syndrome; however, germline origin was not confirmed (Badar T et al. Haematologica, 2023 Nov;108:3033-3043). This amino acid position is highly conserved in available vertebrate species. In addition, this alteration is predicted to be tolerated by in silico analysis. Based on the available evidence, the clinical significance of this variant remains unclear.

Literature cited by the submitters: PubMed 37199125.